The following is an entry in ClinVar:

ClinVar aggregate classification (germline): Likely pathogenic. Review status: criteria provided, multiple submitters, no conflicts (2 of 4 stars). 2 submissions from 2 submitters: Likely pathogenic (2). Last evaluated 2025-08-15.

Conditions:
Diamond-Blackfan anemia. Also called: Blackfan Diamond syndrome; Aregenerative anemia chronic congenital; Red cell aplasia, pure hereditary; Congenital hypoplastic anemia; Aase syndrome. Identifiers: Orphanet 124, MedGen C1260899, MeSH D029503, MONDO:0015253, HP:0004810.
RPL11-related disorder. Also called: RPL11-related condition.

Submissions (2):

Ambry Genetics
Classification: Likely pathogenic for Diamond-Blackfan anemia. Last evaluated: 2025-08-15. Review status: criteria provided, single submitter. Criteria: Ambry Variant Classification Scheme 2023. Collection method: clinical testing. Allele origin: germline.
Comment: The c.508-1G>C intronic results from a G to C substitution one nucleotide before coding exon 6 of the RPL11 gene. This alteration occurs at the 3' terminus of the RPL11 gene, is not expected to trigger nonsense-mediated mRNA decay, and only impacts the last 5% of the protein. The exact functional effect of this alteration is unknown; however, a significant portion of the protein is affected (Ambry internal data). This variant was not reported in population-based cohorts in the Genome Aggregation Database (gnomAD). This nucleotide position is highly conserved in available vertebrate species. RNA studies suggest that this alteration may result in full intron retention; however, technical limitations of the assay prevent confirmation of this result. In silico splice site analysis predicts that this alteration will weaken the native splice acceptor site. Based on the available evidence, this alteration is classified as likely pathogenic.

Blueprint Genetics
Classification: Likely pathogenic for RPL11-related disorders. Last evaluated: 2021-04-26. Review status: criteria provided, single submitter. Criteria: ACMG Guidelines, 2015. Collection method: clinical testing. Allele origin: germline. Affected: yes. Observed: 1 variant allele.

NM_000975.5(RPL11):c.508-1G>C

Gene: RPL11 (ribosomal protein L11; plus strand). Cytogenetic location: 1p36.11.
Variant type: single nucleotide variant.
Coding change: c.508-1G>C on transcript NM_000975.5 (MANE Select); the canonical splice acceptor site of the intron before coding-DNA position 508, G replaced by C.
Molecular consequence: splice acceptor variant.
Genome position (GRCh38, 1-based): chr1:23,696,343, G>C. VCF-style: chr1-23696343-G-C. GRCh37 (hg19) VCF-style: chr1-24022833-G-C.
Other names: c.505-1G>C (NM_001199802.1).
Identifiers: ClinVar variation 4156508 (VCV004156508.2).